The following is an entry in ClinVar:

ClinVar aggregate classification (germline): Uncertain significance (1 of 4 stars; one submission).

Submission:

ARUP Laboratories, Molecular Genetics and Genomics, ARUP Laboratories
Classification: Uncertain significance. Last evaluated: 2018-02-13. Review status: criteria provided, single submitter. Criteria: ARUP Molecular Germline Variant Investigation Process. Collection method: clinical testing. Allele origin: germline.
Comment: The MYH11 c.2057G>C; p.Arg686Thr variant, to our knowledge, is not reported in the medical literature, gene specific variation databases, nor has it been previously identified by our laboratory. This variant is absent from the general population databases (1000 Genomes Project, Exome Variant Server, Genome Aggregation Database), indicating it is not a common polymorphism. The arginine at position 686 is highly conserved, considering 13 species, and computational analyses of the effects of the p.Arg686Thr variant on protein structure and function make conflicting predictions (SIFT: tolerated, PolyPhen-2: possibly damaging). Based on the available information, the clinical significance of the p.Arg686Thr variant cannot be determined with certainty.

NM_002474.3(MYH11):c.2057G>C (p.Arg686Thr)

Gene: MYH11 (myosin heavy chain 11; minus strand). Cytogenetic location: 16p13.11.
Variant type: single nucleotide variant.
Coding change: c.2057G>C on transcript NM_002474.3 (MANE Select); coding-DNA position 2057, G replaced by C.
Protein change: p.Arg686Thr; replaces arginine 686 with threonine.
Molecular consequence: missense variant.
Genome position (GRCh38, 1-based): chr16:15,750,139, C>G on the plus strand (G>C on the coding strand, the complement: MYH11 is on the minus strand). VCF-style: chr16-15750139-C-G. GRCh37 (hg19) VCF-style: chr16-15843996-C-G.
Other names: c.2078G>C, p.Arg693Thr (NM_001040113.2, NM_001040114.2); c.2057G>C, p.Arg686Thr (NM_022844.3); short protein forms R686T, R693T.
Identifiers: ClinVar variation 618737 (VCV000618737.8), dbSNP rs1567726588, ClinGen allele CA394868724.